The following is an entry in ClinVar:

ClinVar aggregate classification (germline): Uncertain significance. Review status: criteria provided, multiple submitters, no conflicts (2 of 4 stars). 4 submissions from 4 submitters: Uncertain significance (4). Last evaluated 2024-01-01.

Conditions:
Inborn genetic diseases. Identifiers: MedGen C0950123, MeSH D030342.

Allele frequency attached by ClinVar (database versions not stated): gnomAD exomes below 0.00001 and 0.00001; ExAC 0.00001; gnomAD 0.00001; TOPMed 0.00002.
gnomAD v4.1: 23 of 1,613,966 alleles (0.0014%); highest among the groups gnomAD compares: Middle Eastern, 0.016%; 1 homozygote.

Submissions (4):

CeGaT Center for Human Genetics Tuebingen
Classification: Uncertain significance. Last evaluated: 2024-01-01. Review status: criteria provided, single submitter. Criteria: CeGaT Center For Human Genetics Tuebingen Variant Classification Criteria Version 2. Collection method: clinical testing. Allele origin: germline. Affected: yes. Observed: 3 variant alleles.
Comment: RTN4IP1: PM2, BP4

Blueprint Genetics
Classification: Uncertain significance. Last evaluated: 2023-12-18. Review status: criteria provided, single submitter. Criteria: ACMG Guidelines, 2015. Collection method: clinical testing. Allele origin: germline.

Labcorp Genetics (formerly Invitae), Labcorp
Classification: Uncertain significance. Last evaluated: 2023-11-13. Review status: criteria provided, single submitter. Criteria: Invitae Variant Classification Sherloc (09022015). Collection method: clinical testing. Allele origin: germline.
Comment: This sequence change replaces alanine, which is neutral and non-polar, with threonine, which is neutral and polar, at codon 249 of the RTN4IP1 protein (p.Ala249Thr). This variant is present in population databases (rs756700154, gnomAD 0.0009%). This variant has not been reported in the literature in individuals affected with RTN4IP1-related conditions. ClinVar contains an entry for this variant (Variation ID: 809979). Advanced modeling of protein sequence and biophysical properties (such as structural, functional, and spatial information, amino acid conservation, physicochemical variation, residue mobility, and thermodynamic stability) performed at Invitae indicates that this missense variant is expected to disrupt RTN4IP1 protein function with a positive predictive value of 80%. In summary, the available evidence is currently insufficient to determine the role of this variant in disease. Therefore, it has been classified as a Variant of Uncertain Significance.

Ambry Genetics
Classification: Uncertain significance for Inborn genetic diseases. Last evaluated: 2022-03-29. Review status: criteria provided, single submitter. Criteria: Ambry Variant Classification Scheme 2023. Collection method: clinical testing. Allele origin: germline.

NM_032730.5(RTN4IP1):c.745G>A (p.Ala249Thr)

Gene: RTN4IP1 (reticulon 4 interacting protein 1; minus strand). Cytogenetic location: 6q21.
Variant type: single nucleotide variant.
Coding change: c.745G>A on transcript NM_032730.5 (MANE Select); coding-DNA position 745, G replaced by A.
Protein change: p.Ala249Thr; replaces alanine 249 with threonine.
Molecular consequence: missense variant.
Genome position (GRCh38, 1-based): chr6:106,592,225, C>T on the plus strand (G>A on the coding strand, the complement: RTN4IP1 is on the minus strand). VCF-style: chr6-106592225-C-T. GRCh37 (hg19) VCF-style: chr6-107040100-C-T.
Other names: c.445G>A, p.Ala149Thr (NM_001318746.1); c.745G>A (NM_032730.4); short protein forms A149T, A249T.
Identifiers: ClinVar variation 809979 (VCV000809979.49), dbSNP rs756700154, ClinGen allele CA3944382.